The following is an entry in ClinVar:

ClinVar aggregate classification (germline): Pathogenic/Likely pathogenic. Review status: criteria provided, multiple submitters, no conflicts (2 of 4 stars). 6 submissions from 6 submitters: Pathogenic (2); Likely pathogenic (3). 1 of the submissions does not count toward it. Last evaluated 2025-11-12.

Conditions:
Tuberous sclerosis 2 (TSC2). Identifiers: Orphanet 805, MedGen C1860707, MONDO:0013199, OMIM 613254.
Hereditary cancer-predisposing syndrome. Also called: Neoplastic Syndromes, Hereditary; Tumor predisposition; Hereditary Cancer Syndrome; Hereditary neoplastic syndrome. Identifiers: Orphanet 140162, MedGen C0027672, MeSH D009386, MONDO:0015356.
Tuberous sclerosis syndrome (TSC). Also called: Tuberous Sclerosis Complex; Tuberous sclerosis. Identifiers: Orphanet 805, MedGen C0041341, MONDO:0001734.

Submissions (6):

Labcorp Genetics (formerly Invitae), Labcorp
Classification: Pathogenic for Tuberous sclerosis 2. Last evaluated: 2025-11-12. Review status: criteria provided, single submitter. Criteria: Invitae Variant Classification Sherloc (09022015). Collection method: clinical testing. Allele origin: germline.
Comment: This sequence change replaces serine, which is neutral and polar, with asparagine, which is neutral and polar, at codon 1095 of the TSC2 protein (p.Ser1095Asn). This variant also falls at the last nucleotide of exon 28, which is part of the consensus splice site for this exon. This variant is not present in population databases (gnomAD no frequency). This missense change has been observed in individual(s) with tuberous sclerosis complex (PMID: 21520333, 32917966; internal data). In at least one individual the variant was observed to be de novo. ClinVar contains an entry for this variant (Variation ID: 50058). An algorithm developed to predict the effect of missense changes on protein structure and function (PolyPhen-2) suggests that this variant is likely to be tolerated. Variants that disrupt the consensus splice site are a relatively common cause of aberrant splicing (PMID: 17576681, 9536098). Algorithms developed to predict the effect of sequence changes on RNA splicing suggest that this variant may disrupt the consensus splice site. For these reasons, this variant has been classified as Pathogenic.

Women's Health and Genetics/Laboratory Corporation of America, LabCorp
Classification: Pathogenic for Tuberous sclerosis syndrome. Last evaluated: 2025-10-07. Review status: criteria provided, single submitter. Criteria: LabCorp Variant Classification Summary - May 2015. Collection method: clinical testing. Allele origin: germline.
Comment: Variant summary: TSC2 c.3284G>A (p.Ser1095Asn) results in a conservative amino acid change in the encoded protein sequence. Algorithms developed to predict the effect of missense changes on protein structure and function are either unavailable or do not agree on the potential impact of this missense change. Several computational tools predict a significant impact on normal splicing: Two predict the variant abolishes a 5' splicing donor site. Two predict the variant weakens a 5' donor site. However, these predictions have yet to be confirmed by functional studies. The variant was absent in 249060 control chromosomes. c.3284G>A has been observed in individual(s) affected with Tuberous Sclerosis Complex (Au_2007, Meng_2021, Ogorek_2020). In at least one individual, it was detected as a de novo occurrence. These data indicate that the variant is likely to be associated with disease. To our knowledge, no experimental evidence demonstrating an impact on protein function has been reported. The following publications have been ascertained in the context of this evaluation (PMID: 17304050, 32917966, 32461669). ClinVar contains an entry for this variant (Variation ID: 50058). Based on the evidence outlined above, the variant was classified as pathogenic.

Neuberg Centre For Genomic Medicine, NCGM
Classification: Likely pathogenic for Tuberous sclerosis 2. Last evaluated: 2023-05-20. Review status: criteria provided, single submitter. Criteria: ACMG Guidelines, 2015. Collection method: clinical testing. Allele origin: germline. Inheritance: Autosomal dominant inheritance. Affected: yes.
Comment: The observed missense c.3284G>A(p.Ser1095Asn) variant, lying in the splice region of TSC2 gene has been reported previously in individuals affected with tuberous sclerosis (Bahl S, et al., 2013). The p.Ser1095Asn variant is absent in gnomAD Exomes. This variant has been submitted to the ClinVar database as Likely Pathogenic / Pathogenic. Multiple lines of computational evidences (Polyphen - Possibly damaging, SIFT - Tolerated and MutationTaster - Disease causing) predict conflicting evidence on protein structure and function for this variant. The amino acid change p.Ser1095Asn in TSC2 is predicted as conserved by GERP++ and PhyloP across 100 vertebrates. The amino acid Ser at position 1095 is changed to a Asn changing protein sequence and it might alter its composition and physico-chemical properties. However, additional functional studies will be required to prove the pathogenicity of this variant. For these reasons, this variant has been classified as Likely Pathogenic.

GeneDx
Classification: Likely pathogenic. Last evaluated: 2023-01-06. Review status: criteria provided, single submitter. Criteria: GeneDx Variant Classification Process June 2021. Collection method: clinical testing. Allele origin: germline. Affected: yes.
Comment: Reported previously as a probably pathogenic variant in a cohort of patients with autism spectrum disorder; however, no further clinical or segregation information was provided (Bahl et al., 2013); Not observed at significant frequency in large population cohorts (gnomAD); Variant in the last nucleotide of the exon in a gene for which loss of function is a known mechanism of disease, and both splice predictors and evolutionary conservation support a deleterious effect, although in the absence of functional evidence the actual effect of this sequence change is unknown.; In silico analysis supports that this missense variant does not alter protein structure/function; This variant is associated with the following publications: (PMID: 23514105, 32917966, 17304050, 32461669)

Ambry Genetics
Classification: Likely pathogenic for Hereditary cancer-predisposing syndrome. Last evaluated: 2017-08-15. Review status: criteria provided, single submitter. Criteria: Ambry Variant Classification Scheme 2023. Collection method: clinical testing. Allele origin: germline.
Comment: The p.S1095N variant (also known as c.3284G>A), located in coding exon 27 of the TSC2 gene, results from a G to A substitution at nucleotide position 3284. This change occurs in the last base pair of coding exon 27, which makes it likely to have some effect on normal mRNA splicing. In addition to potential splicing impact, this alteration changes the serine at codon 1095 to asparagine, an amino acid with highly similar properties. In one study, this alteration was detected as a de novo occurrence in an individual with a clinical diagnosis of tuberous sclerosis complex (TSC) (Au KS et al. Genet. Med., 2007 Feb;9:88-100). This nucleotide position is highly conserved in available vertebrate species. Using two different splice site prediction tools, this alteration is predicted by BDGP to abolish the native splice donor site, but is predicted to weaken (but not abolish) the efficiency of the native splice donor site by ESEfinder; however, direct evidence is unavailable. In addition, the in silico prediction for this alteration is inconclusive. Based on the majority of available evidence to date, this variant is likely to be pathogenic.

Tuberous sclerosis database (TSC2)
No classification provided. Condition: TSC. Review status: no classification provided. Criteria: Tuberous Sclerosis Database Assertion Criteria 2015. Collection method: curation. Allele origin: germline. Affected: yes. Not counted in ClinVar's aggregate classification.

Literature cited by the submitters: PubMed 21520333 (cited by Labcorp Genetics (formerly Invitae), Labcorp); PubMed 32917966 (cited by Labcorp Genetics (formerly Invitae), Labcorp and Women's Health and Genetics/Laboratory Corporation of America, LabCorp); PubMed 17576681 (cited by Labcorp Genetics (formerly Invitae), Labcorp); PubMed 9536098 (cited by Labcorp Genetics (formerly Invitae), Labcorp); PubMed 17304050 (cited by Women's Health and Genetics/Laboratory Corporation of America, LabCorp and Ambry Genetics); PubMed 32461669 (cited by Women's Health and Genetics/Laboratory Corporation of America, LabCorp); PubMed 23514105 (cited by Ambry Genetics).

NM_000548.5(TSC2):c.3284G>A (p.Ser1095Asn)

Gene: TSC2 (TSC complex subunit 2; plus strand). Cytogenetic location: 16p13.3.
Variant type: single nucleotide variant.
Coding change: c.3284G>A on transcript NM_000548.5 (MANE Select); coding-DNA position 3284, G replaced by A.
Protein change: p.Ser1095Asn; replaces serine 1095 with asparagine.
Molecular consequence: missense variant.
Genome position (GRCh38, 1-based): chr16:2,079,428, G>A. VCF-style: chr16-2079428-G-A. GRCh37 (hg19) VCF-style: chr16-2129429-G-A.
Other names: c.3152G>A, p.Ser1051Asn (NM_001077183.3, NM_001370404.1); c.3284G>A, p.Ser1095Asn (NM_001114382.3); c.3044G>A, p.Ser1015Asn (NM_001318827.2); c.3008G>A, p.Ser1003Asn (NM_001318829.2); c.2552G>A, p.Ser851Asn (NM_001318831.2); c.3185G>A, p.Ser1062Asn (NM_001318832.2); c.3155G>A, p.Ser1052Asn (NM_001363528.2, NM_001370405.1, NM_021055.3); short protein forms S1095N, S1003N, S1015N, S851N, S1062N, S1051N, S1052N.
Identifiers: ClinVar variation 50058 (VCV000050058.13), dbSNP rs1555510754, ClinGen allele CA018827.